The following is an entry in ClinVar:

ClinVar aggregate classification (germline): Uncertain significance (1 of 4 stars; one submission).

Submission:

GeneDx
Classification: Uncertain significance. Last evaluated: 2023-06-22. Review status: criteria provided, single submitter. Criteria: GeneDx Variant Classification Process June 2021. Collection method: clinical testing. Allele origin: germline. Affected: yes.
Comment: Not observed at significant frequency in large population cohorts (gnomAD); In silico analysis supports that this missense variant has a deleterious effect on protein structure/function; Has not been previously published as pathogenic or benign to our knowledge

NM_005245.4(FAT1):c.5087C>T (p.Ser1696Leu)

Gene: FAT1 (FAT atypical cadherin 1; minus strand). Cytogenetic location: 4q35.2.
Variant type: single nucleotide variant.
Coding change: c.5087C>T on transcript NM_005245.4 (MANE Select); coding-DNA position 5087, C replaced by T.
Protein change: p.Ser1696Leu; replaces serine 1696 with leucine.
Molecular consequence: missense variant.
Genome position (GRCh38, 1-based): chr4:186,621,499, G>A on the plus strand (C>T on the coding strand, the complement: FAT1 is on the minus strand). VCF-style: chr4-186621499-G-A. GRCh37 (hg19) VCF-style: chr4-187542653-G-A.
Other names: short protein forms S1696L.
Identifiers: ClinVar variation 3360322 (VCV003360322.1).